The following is an entry in ClinVar:

NM_001032283.3(TMPO):c.225G>A (p.Pro75=)

Genes: TMPO (thymopoietin; plus strand), TMPO-AS1 (TMPO antisense RNA 1; minus strand), LOC130008520 (ATAC-STARR-seq lymphoblastoid silent region 4752; plus strand). Cytogenetic location: 12q23.1.
Variant type: single nucleotide variant.
Coding change: c.225G>A on transcript NM_001032283.3 (MANE Select); coding-DNA position 225, G replaced by A.
Protein change: p.Pro75=; no amino-acid change (proline 75 retained).
Molecular consequence: synonymous variant. On other transcripts: non-coding transcript variant (1).
Genome position (GRCh38, 1-based): chr12:98,516,092, G>A. VCF-style: chr12-98516092-G-A. GRCh37 (hg19) VCF-style: chr12-98909870-G-A.
Other names: c.225G>A, p.Pro75= (NM_001032284.3, NM_001307975.2, NM_003276.2).
Identifiers: ClinVar variation 179033 (VCV000179033.22), dbSNP rs59027673, ClinGen allele CA183565.
Genomic context (GRCh38, chr12:98,516,092, plus strand): 5'-CGGCACCAACAGCAAGGGGCCCCCGGACTTCTCCAGTGACGAAGAGCGCGAGCCCACCCC[G>A]GTCCTCGGCTCTGGGGCCGCCGCCGCGGGCCGGAGCCGAGCAGCCGTCGGCAGGGTAAGG-3'
Protein context (NP_001027454.1, residues 65-85): FSSDEEREPT[Pro75=]VLGSGAAAAG

ClinVar aggregate classification (germline): Benign. Review status: criteria provided, multiple submitters, no conflicts (2 of 4 stars). 5 submissions from 5 submitters: Benign (5). Last evaluated 2026-02-02.

Conditions:
Loeys-Dietz syndrome 2 (LDS2). Also called: TGFBR2-Related Loeys-Dietz Syndrome; AORTIC ANEURYSM, FAMILIAL THORACIC 3; MARFAN SYNDROME, TYPE II; Marfan Syndrome type 2; Marfan like connective tissue disorder; MFS 2. Identifiers: Orphanet 284973, Orphanet 558, MedGen C2674574, MONDO:0012427, OMIM 610168.

Allele frequency attached by ClinVar (database versions not stated): gnomAD exomes 0.00055 and 0.00131; ExAC 0.00202; ESP Exome Variant Server 0.00487; gnomAD 0.00554 and 0.00590; 1000 Genomes Project 0.00599; 1000 Genomes Project 30x 0.00625; TOPMed 0.00641.
gnomAD v4.1: 1,658 of 1,587,950 alleles (0.1%); highest among the groups gnomAD compares: African/African-American, 2%; 16 homozygotes.

Submissions (5):

Labcorp Genetics (formerly Invitae), Labcorp
Classification: Benign for Loeys-Dietz syndrome 2. Last evaluated: 2026-02-02. Review status: criteria provided, single submitter. Criteria: Invitae Variant Classification Sherloc (09022015). Collection method: clinical testing. Allele origin: germline.

Ambry Genetics
Classification: Benign. Last evaluated: 2015-05-27. Review status: criteria provided, single submitter. Criteria: Ambry Variant Classification Scheme 2023. Collection method: clinical testing. Allele origin: germline.

GeneDx
Classification: Benign. Last evaluated: 2015-03-03. Review status: criteria provided, single submitter. Criteria: GeneDx Variant Classification Process June 2021. Collection method: clinical testing. Allele origin: germline. Affected: yes.

Laboratory for Molecular Medicine, Mass General Brigham Personalized Medicine
Classification: Benign. Last evaluated: 2013-07-29. Review status: criteria provided, single submitter. Criteria: LMM Criteria. Collection method: clinical testing. Allele origin: germline. Observed: 7 variant alleles.
Comment: Pro75Pro in exon 1 of TMPO: This variant is not expected to have clinical signif icance because it does not alter an amino acid residue and is not located within the splice consensus sequence. It has been identified in 1.5% (54/3656) of Afri can American chromosomes from a broad population by the NHLBI Exome Sequencing P roject (dbSNP rs59027673).

Breakthrough Genomics
Classification: Benign. Review status: criteria provided, single submitter. Criteria: ACMG Guidelines, 2015. Collection method: not provided. Allele origin: germline. Inheritance: Unknown mechanism. Affected: yes.